The following is an entry in ClinVar:

ClinVar aggregate classification (germline): Uncertain significance (1 of 4 stars; one submission).

Submission:

GeneDx
Classification: Uncertain significance. Last evaluated: 2025-06-17. Review status: criteria provided, single submitter. Criteria: GeneDx Variant Classification Process June 2021. Collection method: clinical testing. Allele origin: germline. Affected: yes.
Comment: Not observed at significant frequency in large population cohorts (gnomAD); In silico analysis supports that this missense variant has a deleterious effect on protein structure/function; Has not been previously published as pathogenic or benign to our knowledge

NM_003097.6(SNRPN):c.400G>T (p.Val134Phe)

Genes: SNHG14 (small nucleolar RNA host gene 14; plus strand), SNRPN (small nuclear ribonucleoprotein polypeptide N; plus strand), SNURF (SNRPN upstream open reading frame; plus strand). Cytogenetic location: 15q11.2.
Variant type: single nucleotide variant.
Coding change: c.400G>T on transcript NM_003097.6 (MANE Select); coding-DNA position 400, G replaced by T.
Protein change: p.Val134Phe; replaces valine 134 with phenylalanine.
Molecular consequence: missense variant. On other transcripts: non-coding transcript variant (1), 3 prime UTR variant (1).
Genome position (GRCh38, 1-based): chr15:24,977,009, G>T. VCF-style: chr15-24977009-G-T. GRCh37 (hg19) VCF-style: chr15-25222156-G-T.
Other names: c.400G>T, p.Val134Phe (NM_001349454.2, NM_001349455.2, NM_001349456.2 and 99 more transcripts); c.412G>T, p.Val138Phe (NM_001378251.1, NM_001378252.1, NM_001378253.1 and 2 more transcripts); c.376G>T, p.Val126Phe (NM_001378256.1, NM_001378257.1, NM_001400767.1); c.136G>T, p.Val46Phe (NM_001400768.1); c.*588G>T (NM_005678.5); short protein forms V126F, V134F, V138F, V46F.
Identifiers: ClinVar variation 4538900 (VCV004538900.1).